The following is an entry in ClinVar:

NM_001354930.2(RIPK1):c.1A>G (p.Met1Val)

Gene: RIPK1 (receptor interacting serine/threonine kinase 1; plus strand). Cytogenetic location: 6p25.2.
Variant type: single nucleotide variant.
Coding change: c.1A>G on transcript NM_001354930.2 (MANE Select); coding-DNA position 1, A replaced by G.
Protein change: p.Met1Val; changes the start codon (methionine 1).
Molecular consequence: missense variant, initiator codon variant. On other transcripts: 5 prime UTR variant (4).
Genome position (GRCh38, 1-based): chr6:3,076,824, A>G. VCF-style: chr6-3076824-A-G. GRCh37 (hg19) VCF-style: chr6-3077058-A-G.
Other names: c.-603A>G (NM_001317061.3, NM_001354932.2, NM_001354933.2 and 1 more transcripts); c.1A>G, p.Met1Val (NM_001354931.2, NM_003804.6); short protein forms M1V.
Identifiers: ClinVar variation 3724871 (VCV003724871.2).

ClinVar aggregate classification (germline): Uncertain significance (1 of 4 stars; one submission).

Submission:

Labcorp Genetics (formerly Invitae), Labcorp
Classification: Uncertain significance. Last evaluated: 2024-11-08. Review status: criteria provided, single submitter. Criteria: Invitae Variant Classification Sherloc (09022015). Collection method: clinical testing. Allele origin: germline.
Comment: This sequence change affects the initiator methionine of the RIPK1 mRNA. The next in-frame methionine is located at codon 5. This variant is not present in population databases (gnomAD no frequency). This variant has not been reported in the literature in individuals affected with RIPK1-related conditions. Experimental studies and prediction algorithms are not available or were not evaluated, and the functional significance of this variant is currently unknown. In summary, the available evidence is currently insufficient to determine the role of this variant in disease. Therefore, it has been classified as a Variant of Uncertain Significance.